The following is an entry in ClinVar:

ClinVar aggregate classification (germline): Uncertain significance (1 of 4 stars; one submission).

Conditions:
Inborn genetic diseases. Identifiers: MedGen C0950123, MeSH D030342.

gnomAD v4.1: 8 of 1,612,750 alleles (0.0005%); highest among the groups gnomAD compares: Admixed American, 0.0017%; no homozygotes.

Submission:

Ambry Genetics
Classification: Uncertain significance for Inborn genetic diseases. Last evaluated: 2025-12-15. Review status: criteria provided, single submitter. Criteria: Ambry Variant Classification Scheme 2023. Collection method: clinical testing. Allele origin: germline.
Comment: The c.1160C>T (p.T387M) alteration is located in exon 10 (coding exon 10) of the FZR1 gene. This alteration results from a C to T substitution at nucleotide position 1160, causing the threonine (T) at amino acid position 387 to be replaced by a methionine (M). Based on data from gnomAD, the T allele has an overall frequency of <0.001% (0/249578) total alleles studied. The highest observed frequency was <0.001% (/) of alleles. Based on insufficient or conflicting evidence, the clinical significance of this alteration remains unclear.

NM_016263.4(FZR1):c.1160C>T (p.Thr387Met)

Gene: FZR1 (fizzy and cell division cycle 20 related 1; plus strand). Cytogenetic location: 19p13.3.
Variant type: single nucleotide variant.
Coding change: c.1160C>T on transcript NM_016263.4 (MANE Select); coding-DNA position 1160, C replaced by T.
Protein change: p.Thr387Met; replaces threonine 387 with methionine.
Molecular consequence: missense variant.
Genome position (GRCh38, 1-based): chr19:3,532,568, C>T. VCF-style: chr19-3532568-C-T. GRCh37 (hg19) VCF-style: chr19-3532566-C-T.
Other names: c.893C>T, p.Thr298Met (NM_001136197.1); c.1160C>T, p.Thr387Met (NM_001136198.1); short protein forms T387M, T298M.
Identifiers: ClinVar variation 4834016 (VCV004834016.1).
Genomic context (GRCh38, chr19:3,532,568, plus strand): 5'-AGCACGGGCTGCTGGCCTCGGGGGGCGGCACAGCTGACCGCTGTATCCGCTTCTGGAACA[C>T]GCTGACAGGACAACCACTGCAGTGTATCGACACGGGCTCCCAAGTGTGCAATCTGGCCTG-3'
Protein context (NP_057347.2, residues 377-397): TADRCIRFWN[Thr387Met]LTGQPLQCID